The following is an entry in ClinVar:

NM_001379180.1(ESRRB):c.1049G>A (p.Arg350His)

Gene: ESRRB (estrogen related receptor beta; plus strand). Cytogenetic location: 14q24.3.
Variant type: single nucleotide variant.
Coding change: c.1049G>A on transcript NM_001379180.1 (MANE Select); coding-DNA position 1049, G replaced by A.
Protein change: p.Arg350His; replaces arginine 350 with histidine.
Molecular consequence: missense variant.
Genome position (GRCh38, 1-based): chr14:76,491,645, G>A. VCF-style: chr14-76491645-G-A. GRCh37 (hg19) VCF-style: chr14-76957988-G-A.
Other names: c.1001G>A, p.Arg334His (NM_001411038.1); c.986G>A, p.Arg329His (NM_004452.4); short protein forms R334H, R329H, R350H.
Identifiers: ClinVar variation 2592250 (VCV002592250.3), dbSNP rs528588232, ClinGen allele CA7281749.

ClinVar aggregate classification (germline): Uncertain significance. Review status: criteria provided, single submitter (1 of 4 stars). 2 submissions from 2 submitters: Uncertain significance (1). 1 of the submissions does not count toward it. Last evaluated 2023-08-02.

Conditions:
ESRRB-related disorder. Also called: ESRRB-related condition.

Allele frequency attached by ClinVar (database versions not stated): ExAC 0.00002; gnomAD exomes 0.00002; gnomAD 0.00005; TOPMed 0.00007; 1000 Genomes Project 30x 0.00016; 1000 Genomes Project 0.00020.
gnomAD v4.1: 32 of 1,584,974 alleles (0.002%); highest among the groups gnomAD compares: Middle Eastern, 0.018%; no homozygotes.

Submissions (2):

Ambry Genetics
Classification: Uncertain significance. Last evaluated: 2023-08-02. Review status: criteria provided, single submitter. Criteria: Ambry Variant Classification Scheme 2023. Collection method: clinical testing. Allele origin: germline.

PreventionGenetics, part of Exact Sciences
Classification: Uncertain significance for ESRRB-related condition. Last evaluated: 2024-09-26. Review status: no assertion criteria provided. Collection method: clinical testing. Allele origin: germline. Not counted in ClinVar's aggregate classification.
Comment: The ESRRB c.986G>A variant is predicted to result in the amino acid substitution p.Arg329His. To our knowledge, this variant has not been reported in the literature. This variant is reported in 0.0079% of alleles in individuals of African descent in gnomAD. At this time, the clinical significance of this variant is uncertain due to the absence of conclusive functional and genetic evidence.